The following is an entry in ClinVar:

NM_000059.4(BRCA2):c.5917A>C (p.Asn1973His)

Gene: BRCA2 (BRCA2 DNA repair associated; plus strand). Cytogenetic location: 13q13.1.
Variant type: single nucleotide variant.
Coding change: c.5917A>C on transcript NM_000059.4 (MANE Select); coding-DNA position 5917, A replaced by C.
Protein change: p.Asn1973His; replaces asparagine 1973 with histidine.
Molecular consequence: missense variant.
Genome position (GRCh38, 1-based): chr13:32,340,272, A>C. VCF-style: chr13-32340272-A-C. GRCh37 (hg19) VCF-style: chr13-32914409-A-C.
Other names: short protein forms N1973H.
Identifiers: ClinVar variation 495476 (VCV000495476.19), dbSNP rs1555284460, ClinGen allele CA387787523.

ClinVar aggregate classification (germline): Conflicting classifications of pathogenicity. Review status: criteria provided, conflicting classifications (1 of 4 stars). 6 submissions from 6 submitters: Uncertain significance (5); Likely benign (1). Last evaluated 2025-12-09.

Conditions:
Hereditary breast ovarian cancer syndrome. Also called: Hereditary breast and/or ovarian cancer syndrome; BRCA1- and BRCA2-Associated Hereditary Breast and Ovarian Cancer; Breast and ovarian cancer; Hereditary breast and ovarian cancer; Hereditary breast and ovarian cancer syndrome; Hereditary breast and ovarian cancer syndrome (HBOC). Identifiers: Orphanet 145, MedGen C0677776, MeSH D061325, MONDO:0003582. Disease mechanism: loss of function.
Hereditary cancer-predisposing syndrome. Also called: Hereditary neoplastic syndrome; Tumor predisposition; Hereditary Cancer Syndrome; Neoplastic Syndromes, Hereditary. Identifiers: Orphanet 140162, MedGen C0027672, MeSH D009386, MONDO:0015356.

Allele frequency attached by ClinVar (database versions not stated): gnomAD exomes below 0.00001.
gnomAD v4.1: 3 of 1,614,014 alleles (0.00019%); highest among the groups gnomAD compares: Non-Finnish European, 0.00025%; no homozygotes.

Submissions (6):

Ambry Genetics
Classification: Uncertain significance for Hereditary cancer-predisposing syndrome. Last evaluated: 2025-12-09. Review status: criteria provided, single submitter. Criteria: Ambry Variant Classification Scheme 2023. Collection method: clinical testing. Allele origin: germline.
Comment: The p.N1973H variant (also known as c.5917A>C), located in coding exon 10 of the BRCA2 gene, results from an A to C substitution at nucleotide position 5917. The asparagine at codon 1973 is replaced by histidine, an amino acid with similar properties. This amino acid position is not well conserved in available vertebrate species. In addition, this alteration is predicted to be tolerated by in silico analysis. Since supporting evidence is limited at this time, the clinical significance of this alteration remains unclear.

Labcorp Genetics (formerly Invitae), Labcorp
Classification: Uncertain significance for Hereditary breast ovarian cancer syndrome. Last evaluated: 2025-05-19. Review status: criteria provided, single submitter. Criteria: Invitae Variant Classification Sherloc (09022015). Collection method: clinical testing. Allele origin: germline.
Comment: This sequence change replaces asparagine, which is neutral and polar, with histidine, which is basic and polar, at codon 1973 of the BRCA2 protein (p.Asn1973His). This variant is not present in population databases (gnomAD no frequency). This variant has not been reported in the literature in individuals affected with BRCA2-related conditions. ClinVar contains an entry for this variant (Variation ID: 495476). Invitae Evidence Modeling of protein sequence and biophysical properties (such as structural, functional, and spatial information, amino acid conservation, physicochemical variation, residue mobility, and thermodynamic stability) indicates that this missense variant is not expected to disrupt BRCA2 protein function with a negative predictive value of 95%. In summary, the available evidence is currently insufficient to determine the role of this variant in disease. Therefore, it has been classified as a Variant of Uncertain Significance.

Color Diagnostics, LLC DBA Color Health
Classification: Uncertain significance for Hereditary cancer-predisposing syndrome. Last evaluated: 2024-11-04. Review status: criteria provided, single submitter. Criteria: ACMG Guidelines, 2015. Collection method: clinical testing. Allele origin: germline.
Comment: This missense variant replaces asparagine with histidine at codon 1973 of the BRCA2 protein. Computational prediction suggests that this variant may not impact protein structure and function. To our knowledge, functional studies have not been reported for this variant. This variant has not been reported in individuals affected with BRCA2-related disorders in the literature. This variant has not been identified in the general population by the Genome Aggregation Database (gnomAD). The available evidence is insufficient to determine the role of this variant in disease conclusively. Therefore, this variant is classified as a Variant of Uncertain Significance.

University of Washington Department of Laboratory Medicine, University of Washington
Classification: Likely benign for Hereditary cancer-predisposing syndrome. Last evaluated: 2023-03-23. Review status: criteria provided, single submitter. Criteria: Dines et al. (Genet Med. 2020). Collection method: curation. Allele origin: germline.
Comment: Missense variant in a coldspot region where missense variants are very unlikely to be pathogenic (PMID:31911673).

BRCA2 exon 11 coldspot. Reclassification based on statistical prior probability.

GeneDx
Classification: Uncertain significance. Last evaluated: 2019-10-03. Review status: criteria provided, single submitter. Criteria: GeneDx Variant Classification Process June 2021. Collection method: clinical testing. Allele origin: germline. Affected: yes.
Comment: Not observed in large population cohorts (Lek 2016); In silico analysis, which includes protein predictors and evolutionary conservation, supports a deleterious effect; Has not been previously published as pathogenic or benign to our knowledge; Also known as BRCA2 6145A>C

Women's Health and Genetics/Laboratory Corporation of America, LabCorp
Classification: Uncertain significance. Last evaluated: 2016-01-29. Review status: criteria provided, single submitter. Criteria: LabCorp Variant Classification Summary - May 2015. Collection method: clinical testing. Allele origin: germline.
Comment: Variant summary: The BRCA2 c.5917A>C variant affects a non-conserved nucleotide, resulting in amino acid change from Asn to His. 3/4 in-silico tools predict this variant to be benign (SNPs&GO not captured due to low reliability index). This variant is not found in 120830 control chromosomes. The variant of interest has not, to our knowledge, been reported in affected individuals via publications and/or reputable databases/clinical laboratories; nor evaluated for functional impact by in vivo/vitro studies. Because of the absence of clinical information and the lack of functional studies, the variant was classified as a variant of uncertain significance (VUS) until additional information becomes available.